The following is an entry in ClinVar:

ClinVar aggregate classification (germline): Uncertain significance (1 of 4 stars; one submission).

Conditions:
Progressive myoclonic epilepsy. Also called: Familial progressive myoclonic epilepsy; Myoclonic Epilepsies, Progressive; Myoclonus epilepsy; Progressive myoclonus epilepsy. Identifiers: Orphanet 308, Orphanet 98261, MedGen C0751778, MONDO:0020074.

Submission:

Labcorp Genetics (formerly Invitae), Labcorp
Classification: Uncertain significance for Progressive myoclonic epilepsy. Last evaluated: 2021-08-30. Review status: criteria provided, single submitter. Criteria: Invitae Variant Classification Sherloc (09022015). Collection method: clinical testing. Allele origin: germline.
Comment: This sequence change replaces tyrosine with cysteine at codon 283 of the EPM2A protein (p.Tyr283Cys). The tyrosine residue is highly conserved and there is a large physicochemical difference between tyrosine and cysteine. This variant is not present in population databases (ExAC no frequency). This variant has not been reported in the literature in individuals affected with EPM2A-related conditions. ClinVar contains an entry for this variant (Variation ID: 411296). Algorithms developed to predict the effect of missense changes on protein structure and function (SIFT, PolyPhen-2, Align-GVGD) all suggest that this variant is likely to be disruptive. In summary, the available evidence is currently insufficient to determine the role of this variant in disease. Therefore, it has been classified as a Variant of Uncertain Significance.

NM_005670.4(EPM2A):c.848A>G (p.Tyr283Cys)

Gene: EPM2A (EPM2A glucan phosphatase, laforin; minus strand). Cytogenetic location: 6q24.3.
Variant type: single nucleotide variant.
Coding change: c.848A>G on transcript NM_005670.4 (MANE Select); coding-DNA position 848, A replaced by G.
Protein change: p.Tyr283Cys; replaces tyrosine 283 with cysteine.
Molecular consequence: missense variant. On other transcripts: synonymous variant (1), non-coding transcript variant (1).
Genome position (GRCh38, 1-based): chr6:145,627,564, T>C on the plus strand (A>G on the coding strand, the complement: EPM2A is on the minus strand). VCF-style: chr6-145627564-T-C. GRCh37 (hg19) VCF-style: chr6-145948700-T-C.
Other names: c.848A>G, p.Tyr283Cys (NM_001018041.2); c.606A>G, p.Val202= (NM_001360057.2); c.434A>G, p.Tyr145Cys (NM_001360064.2, NM_001360071.2, NM_001368131.1); c.386A>G, p.Tyr129Cys (NM_001368129.2, NM_001368132.1); short protein forms Y283C, Y129C, Y145C.
Identifiers: ClinVar variation 411296 (VCV000411296.8), dbSNP rs897601301, ClinGen allele CA16612021.